The following is an entry in ClinVar:

ClinVar aggregate classification (germline): Benign/Likely benign. Review status: criteria provided, multiple submitters, no conflicts (2 of 4 stars). 4 submissions from 4 submitters: Benign (3); Likely benign (1). Last evaluated 2025-12-20.

Conditions:
Nemaline myopathy 6 (NEM6). Also called: Nemaline myopathy 6, autosomal dominant. Identifiers: Orphanet 171439, MedGen C1836472, MONDO:0012237, OMIM 609273.

Allele frequency attached by ClinVar (database versions not stated): ESP Exome Variant Server 0.00150; TOPMed 0.00198; gnomAD 0.00223; 1000 Genomes Project 0.00399; 1000 Genomes Project 30x 0.00453.
gnomAD v4.1: 625 of 1,557,718 alleles (0.04%); highest among the groups gnomAD compares: African/African-American, 0.65%; no homozygotes.

Submissions (4):

Labcorp Genetics (formerly Invitae), Labcorp
Classification: Benign for Nemaline myopathy 6. Last evaluated: 2025-12-20. Review status: criteria provided, single submitter. Criteria: Invitae Variant Classification Sherloc (09022015). Collection method: clinical testing. Allele origin: germline.

Blueprint Genetics
Classification: Likely benign. Last evaluated: 2024-07-19. Review status: criteria provided, single submitter. Criteria: ACMG Guidelines, 2015. Collection method: clinical testing. Allele origin: germline.

GeneDx
Classification: Benign. Last evaluated: 2016-03-03. Review status: criteria provided, single submitter. Criteria: GeneDx Variant Classification (06012015). Collection method: clinical testing. Allele origin: germline. Affected: yes.
Comment: This variant is considered likely benign or benign based on one or more of the following criteria: it is a conservative change, it occurs at a poorly conserved position in the protein, it is predicted to be benign by multiple in silico algorithms, and/or has population frequency not consistent with disease.

Breakthrough Genomics
Classification: Benign. Review status: criteria provided, single submitter. Criteria: ACMG Guidelines, 2015. Collection method: not provided. Allele origin: germline. Inheritance: Autosomal dominant inheritance. Affected: yes.

NM_001101362.3(KBTBD13):c.115G>C (p.Gly39Arg)

Gene: KBTBD13 (kelch repeat and BTB domain containing 13; plus strand). Cytogenetic location: 15q22.31.
Variant type: single nucleotide variant.
Coding change: c.115G>C on transcript NM_001101362.3 (MANE Select); coding-DNA position 115, G replaced by C.
Protein change: p.Gly39Arg; replaces glycine 39 with arginine.
Molecular consequence: missense variant.
Genome position (GRCh38, 1-based): chr15:65,076,930, G>C. VCF-style: chr15-65076930-G-C. GRCh37 (hg19) VCF-style: chr15-65369268-G-C.
Other names: short protein forms G39R.
Identifiers: ClinVar variation 377996 (VCV000377996.15), dbSNP rs201420126, ClinGen allele CA7613869.